The following is an entry in ClinVar:

ClinVar aggregate classification (germline): Uncertain significance. Review status: criteria provided, multiple submitters, no conflicts (2 of 4 stars). 3 submissions from 3 submitters: Uncertain significance (3). Last evaluated 2026-02-03.

Conditions:
UGT1A1-related disorder. Also called: UGT1A1-related condition; UGT1A1-related disorders.

Allele frequency attached by ClinVar (database versions not stated): ExAC 0.00001.
gnomAD v4.1: 3 of 1,613,492 alleles (0.00019%); highest among the groups gnomAD compares: South Asian, 0.0011%; no homozygotes.

Submissions (3):

PreventionGenetics, part of Exact Sciences
Classification: Uncertain significance for UGT1A1-related condition. Last evaluated: 2026-02-03. Review status: criteria provided, single submitter. Criteria: ACMG Guidelines, 2015. Collection method: clinical testing. Allele origin: germline.
Comment: The UGT1A1 c.510C>A variant is predicted to result in the amino acid substitution p.Phe170Leu. To our knowledge, this variant has not been reported in the literature in individuals with UGT1A1-related disorders. An in vitro functional study suggests that the p.Phe170Leu substitution results in decreased enzyme activity between 13-59%, dependent on pH (Ciotti et al. 1998. PubMed ID: 9692996). This variant is reported in 0.0018% of alleles in individuals of European (Non-Finnish) descent in gnomAD. Although we suspect that this variant may be pathogenic, at this time, the clinical significance of this variant is uncertain due to the absence of conclusive functional and genetic evidence.

Revvity Omics, Revvity
Classification: Uncertain significance. Last evaluated: 2023-01-24. Review status: criteria provided, single submitter. Criteria: ACMG Guidelines, 2015. Collection method: clinical testing. Allele origin: germline.

ARUP Laboratories, Molecular Genetics and Genomics, ARUP Laboratories
Classification: Uncertain significance. Last evaluated: 2022-09-21. Review status: criteria provided, single submitter. Criteria: ARUP Molecular Germline Variant Investigation Process 2021. Collection method: clinical testing. Allele origin: germline.
Comment: The UGT1A1 c.510C>A; p.Phe170Leu variant (rs780028785), to our knowledge, is not reported in the medical literature in individuals with UGT1A1-associated disease or reported in gene specific databases. However, one functional study demonstrated that this variant reduces bilirubin-enzyme affinity and impairs glucuronidation (Ciotti 1998). This variant is only observed on two alleles in the Genome Aggregation Database, indicating it is not a common polymorphism. The phenylalanine at codon 170 is weakly conserved, and computational analyses predict that this variant is neutral (REVEL: 0.085). Due to limited information, the clinical significance of this variant is uncertain at this time. REFERENCES Ciotti M et al. Required buried alpha-helical structure in the bilirubin UDP-glucuronosyltransferase, UGT1A1, contains a nonreplaceable phenylalanine. Biochemistry. 1998 Aug 4;37(31):11018-25. PMID: 9692996.

NM_000463.3(UGT1A1):c.510C>A (p.Phe170Leu)

Genes: UGT1A6 (UDP glucuronosyltransferase family 1 member A6; plus strand), UGT1A8 (UDP glucuronosyltransferase family 1 member A8; plus strand), UGT1A9 (UDP glucuronosyltransferase family 1 member A9; plus strand), UGT1A7 (UDP glucuronosyltransferase family 1 member A7; plus strand), UGT1A5 (UDP glucuronosyltransferase family 1 member A5; plus strand) and 5 more. Cytogenetic location: 2q37.1.
Variant type: single nucleotide variant.
Coding change: c.510C>A on transcript NM_000463.3 (MANE Select); coding-DNA position 510, C replaced by A.
Protein change: p.Phe170Leu; replaces phenylalanine 170 with leucine.
Molecular consequence: missense variant. On other transcripts: intron variant (9).
Genome position (GRCh38, 1-based): chr2:233,760,797, C>A. VCF-style: chr2-233760797-C-A. GRCh37 (hg19) VCF-style: chr2-234669443-C-A.
Other names: c.856-6237C>A (NM_019076.5, NM_019075.4, NM_021027.3 and 1 more transcripts); c.61-6237C>A (NM_205862.3); c.862-6237C>A (NM_001072.4); c.868-6237C>A (NM_019078.2, NM_007120.3, NM_019093.4); short protein forms F170L.
Identifiers: ClinVar variation 2428752 (VCV002428752.8), dbSNP rs780028785, ClinGen allele CA2179835.